The following is an entry in ClinVar:

NM_153717.3(EVC):c.2145_2146insGCCC (p.Gln716fs)

Gene: EVC (EvC ciliary complex subunit 1; plus strand). Cytogenetic location: 4p16.2.
Variant type: Insertion.
Coding change: c.2145_2146insGCCC on transcript NM_153717.3 (MANE Select); coding-DNA positions 2145 to 2146, GCCC inserted.
Protein change: p.Gln716fs; shifts the reading frame from glutamine 716.
Molecular consequence: frameshift variant.
Genome position: GRCh38 VCF-style: chr4-5798633-G-GGCCC. GRCh37 (hg19) VCF-style: chr4-5800360-G-GGCCC.
Other names: c.2145_2146insGCCC, p.Gln716fs (NM_001306090.2); short protein forms Q716fs.
Identifiers: ClinVar variation 1069725 (VCV001069725.8), dbSNP rs2152345583, ClinGen allele CA2499217309.

ClinVar aggregate classification (germline): Pathogenic (1 of 4 stars; one submission).

Conditions:
Curry-Hall syndrome (WAD). Also called: WEYERS ACRODENTAL DYSOSTOSIS. Identifiers: Orphanet 952, MedGen C0457013, MONDO:0008673, OMIM 193530.
Ellis-van Creveld syndrome (EVC). Also called: EVC-Related Ellis-van Creveld Syndrome; EVC2-Related Ellis-van Creveld Syndrome; MESOECTODERMAL DYSPLASIA; Chondroectodermal dysplasia. Identifiers: Orphanet 289, MedGen C0013903, MONDO:0009162, OMIM 225500.

Submission:

Labcorp Genetics (formerly Invitae), Labcorp
Classification: Pathogenic for Curry-Hall syndrome; Ellis-van Creveld syndrome. Last evaluated: 2023-03-29. Review status: criteria provided, single submitter. Criteria: Invitae Variant Classification Sherloc (09022015). Collection method: clinical testing. Allele origin: germline.
Comment: For these reasons, this variant has been classified as Pathogenic. ClinVar contains an entry for this variant (Variation ID: 1069725). This variant has not been reported in the literature in individuals affected with EVC-related conditions. This variant is not present in population databases (gnomAD no frequency). This sequence change creates a premature translational stop signal (p.Gln716Alafs*52) in the EVC gene. It is expected to result in an absent or disrupted protein product. Loss-of-function variants in EVC are known to be pathogenic (PMID: 23220543).

Literature cited by the submitters: PubMed 23220543.